The following is an entry in ClinVar:

ClinVar aggregate classification (germline): Uncertain significance. Review status: criteria provided, multiple submitters, no conflicts (2 of 4 stars). 2 submissions from 2 submitters: Uncertain significance (2). Last evaluated 2024-04-25.

Conditions:
Epidermolysis bullosa simplex with nail dystrophy (EBS5D). Identifiers: MedGen C4225309, MONDO:0014661, OMIM 616487.
Epidermolysis bullosa simplex 5C, with pyloric atresia (EBS5C). Also called: PLEC-Related Epidermolysis Bullosa with Pyloric Atresia; Epidermolysis bullosa simplex with pyloric atresia; PLEC1-Related Epidermolysis Bullosa with Pyloric Atresia. Identifiers: Orphanet 158684, MedGen C2677349, MONDO:0012807, OMIM 612138.
Autosomal recessive limb-girdle muscular dystrophy type 2Q (LGMDR17). Also called: MUSCULAR DYSTROPHY, LIMB-GIRDLE, AUTOSOMAL RECESSIVE 17. Identifiers: Orphanet 254361, MedGen C3150989, MONDO:0013390, OMIM 613723.
Epidermolysis bullosa simplex 5B, with muscular dystrophy (EBS5B). Also called: EPIDERMOLYSIS BULLOSA SIMPLEX AND LIMB-GIRDLE MUSCULAR DYSTROPHY; Epidermolysis bullosa simplex with muscular dystrophy. Identifiers: Orphanet 257, MedGen C2931072, MONDO:0009181, OMIM 226670.
Epidermolysis bullosa simplex, Ogna type (EBS5A). Also called: Pidermolysis bullosa simplex 5A, Ogna type; EPIDERMOLYSIS BULLOSA SIMPLEX 5A, OGNA TYPE. Identifiers: Orphanet 79401, MedGen C0432317, MONDO:0007555, OMIM 131950.

Submissions (2):

Labcorp Genetics (formerly Invitae), Labcorp
Classification: Uncertain significance for Autosomal recessive limb-girdle muscular dystrophy type 2Q; Epidermolysis bullosa simplex, Ogna type; Epidermolysis bullosa simplex with nail dystrophy; Epidermolysis bullosa simplex 5C, with pyloric atresia; Epidermolysis bullosa simplex 5B, with muscular dystrophy. Last evaluated: 2024-04-25. Review status: criteria provided, single submitter. Criteria: Invitae Variant Classification Sherloc (09022015). Collection method: clinical testing. Allele origin: germline.
Comment: This sequence change replaces leucine, which is neutral and non-polar, with arginine, which is basic and polar, at codon 688 of the PLEC protein (p.Leu688Arg). This variant is not present in population databases (gnomAD no frequency). This variant has not been reported in the literature in individuals affected with PLEC-related conditions. ClinVar contains an entry for this variant (Variation ID: 283198). Advanced modeling of protein sequence and biophysical properties (such as structural, functional, and spatial information, amino acid conservation, physicochemical variation, residue mobility, and thermodynamic stability) performed at Invitae indicates that this missense variant is not expected to disrupt PLEC protein function with a negative predictive value of 80%. In summary, the available evidence is currently insufficient to determine the role of this variant in disease. Therefore, it has been classified as a Variant of Uncertain Significance.

Eurofins Ntd Llc (ga)
Classification: Uncertain significance. Last evaluated: 2015-09-15. Review status: criteria provided, single submitter. Criteria: EGL Classification Definitions 2015. Collection method: clinical testing. Allele origin: germline. Observed: 1 variant allele, 1 heterozygote.

NM_201384.3(PLEC):c.1982T>G (p.Leu661Arg)

Gene: PLEC (plectin; minus strand). Cytogenetic location: 8q24.3.
Variant type: single nucleotide variant.
Coding change: c.1982T>G on transcript NM_201384.3 (MANE Select); coding-DNA position 1982, T replaced by G.
Protein change: p.Leu661Arg; replaces leucine 661 with arginine.
Molecular consequence: missense variant.
Genome position (GRCh38, 1-based): chr8:143,932,230, A>C on the plus strand (T>G on the coding strand, the complement: PLEC is on the minus strand). VCF-style: chr8-143932230-A-C. GRCh37 (hg19) VCF-style: chr8-145006398-A-C.
Other names: c.2063T>G, p.Leu688Arg (NM_000445.5); c.1940T>G, p.Leu647Arg (NM_201378.4); c.1916T>G, p.Leu639Arg (NM_201379.3); c.2393T>G, p.Leu798Arg (NM_201380.4); c.1886T>G, p.Leu629Arg (NM_201381.3); c.1982T>G, p.Leu661Arg (NM_201382.4); c.1994T>G, p.Leu665Arg (NM_201383.3); short protein forms L661R, L688R, L629R, L639R, L647R, L665R, L798R.
Identifiers: ClinVar variation 283198 (VCV000283198.7), dbSNP rs782368277, ClinGen allele CA10604422.